The following is an entry in ClinVar:

NM_152618.3(BBS12):c.1156C>T (p.Arg386Trp)

Gene: BBS12 (Bardet-Biedl syndrome 12; plus strand). Cytogenetic location: 4q27.
Variant type: single nucleotide variant.
Coding change: c.1156C>T on transcript NM_152618.3 (MANE Select); coding-DNA position 1156, C replaced by T.
Protein change: p.Arg386Trp; replaces arginine 386 with tryptophan.
Molecular consequence: missense variant.
Genome position (GRCh38, 1-based): chr4:122,743,048, C>T. VCF-style: chr4-122743048-C-T. GRCh37 (hg19) VCF-style: chr4-123664203-C-T.
Other names: c.1156C>T, p.Arg386Trp (NM_001178007.2); short protein forms R386W.
Identifiers: ClinVar variation 347499 (VCV000347499.19), dbSNP rs202225266, ClinGen allele CA3069386.

ClinVar aggregate classification (germline): Uncertain significance. Review status: criteria provided, multiple submitters, no conflicts (2 of 4 stars). 6 submissions from 6 submitters: Uncertain significance (5). 1 of the submissions does not count toward it. Last evaluated 2026-01-02.

Conditions:
BBS12-related disorder. Also called: BBS12-related condition.
Bardet-Biedl syndrome (BBS). Identifiers: Orphanet 110, MedGen C0752166, MONDO:0015229.
Bardet-Biedl syndrome 12 (BBS12). Identifiers: Orphanet 110, MedGen C1859570, MONDO:0014440, OMIM 615989.

Allele frequency attached by ClinVar (database versions not stated): gnomAD 0.00001 and 0.00002; gnomAD exomes 0.00003 and 0.00008; TOPMed 0.00003; ExAC 0.00007.
gnomAD v4.1: 43 of 1,614,102 alleles (0.0027%); highest among the groups gnomAD compares: East Asian, 0.085%; no homozygotes.

Submissions (6):

PreventionGenetics, part of Exact Sciences
Classification: Uncertain significance for BBS12-related condition. Last evaluated: 2026-01-02. Review status: criteria provided, single submitter. Criteria: ACMG Guidelines, 2015. Collection method: clinical testing. Allele origin: germline.
Comment: The BBS12 c.1156C>T variant is predicted to result in the amino acid substitution p.Arg386Trp. This variant was previously reported in the compound heterozygous state in an individual who presented with suspected Bardet-Biedl syndrome (Nikkhah et al. 2018. PubMed ID: 29633607). However, this variant is reported in 0.090% of alleles in individuals of East Asian descent in gnomAD, which may be too frequent to be a primary cause of disease. Although we suspect c.1156C>T (p.Arg386Trp) may be benign, the clinical significance of this variant is currently classified as uncertain due to the absence of conclusive functional and genetic evidence.

Labcorp Genetics (formerly Invitae), Labcorp
Classification: Uncertain significance for Bardet-Biedl syndrome. Last evaluated: 2022-03-15. Review status: criteria provided, single submitter. Criteria: Invitae Variant Classification Sherloc (09022015). Collection method: clinical testing. Allele origin: germline.
Comment: This sequence change replaces arginine, which is basic and polar, with tryptophan, which is neutral and slightly polar, at codon 386 of the BBS12 protein (p.Arg386Trp). This variant is present in population databases (rs202225266, gnomAD 0.1%). This missense change has been observed in individual(s) with BBS12-related conditions (Invitae). ClinVar contains an entry for this variant (Variation ID: 347499). Algorithms developed to predict the effect of missense changes on protein structure and function are either unavailable or do not agree on the potential impact of this missense change (SIFT: "Deleterious"; PolyPhen-2: "Possibly Damaging"; Align-GVGD: "Class C0"). In summary, the available evidence is currently insufficient to determine the role of this variant in disease. Therefore, it has been classified as a Variant of Uncertain Significance.

Fulgent Genetics
Classification: Uncertain significance for Bardet-Biedl syndrome 12. Last evaluated: 2022-01-04. Review status: criteria provided, single submitter. Criteria: ACMG Guidelines, 2015. Collection method: clinical testing. Allele origin: unknown.

Genetic Services Laboratory, University of Chicago
Classification: Uncertain significance. Last evaluated: 2021-05-24. Review status: criteria provided, single submitter. Criteria: ACMG Guidelines, 2015. Collection method: clinical testing. Allele origin: germline. Affected: no.
Comment: DNA sequence analysis of the BBS12 gene demonstrated a sequence change, c.1156C>T, in exon 2 that results in an amino acid change, p.Arg386Trp. This sequence change has been described in gnomAD with a frequency of 0.09% in the East Asian sub-population (dbSNP rs202225266). The p.Arg386Trp change affects a poorly conserved amino acid residue located in a domain of the BBS12 protein that is known to be functional. In-silico pathogenicity prediction tools (SIFT, PolyPhen2, Align GVGD, REVEL) provide contradictory results for the p.Arg386Trp substitution. This sequence change does not appear to have been previously described in patients with BBS12-related disorders. Due to the lack of sufficient evidences, the clinical significance of the p.Arg386Trp change remains unknown at this time.

Illumina Laboratory Services, Illumina
Classification: Uncertain significance for Bardet-Biedl syndrome 12. Last evaluated: 2018-01-13. Review status: criteria provided, single submitter. Criteria: ICSL Variant Classification Criteria 13 December 2019. Collection method: clinical testing. Allele origin: germline.

Natera, Inc.
Classification: Uncertain significance for Bardet-Biedl syndrome type 12. Last evaluated: 2020-01-15. Review status: no assertion criteria provided. Collection method: clinical testing. Allele origin: germline. Not counted in ClinVar's aggregate classification.